The following is an entry in ClinVar:

ClinVar aggregate classification (germline): Pathogenic/Likely pathogenic. Review status: criteria provided, multiple submitters, no conflicts (2 of 4 stars). 3 submissions from 3 submitters: Pathogenic (2); Likely pathogenic (1). Last evaluated 2026-06-01.

Conditions:
Intellectual developmental disorder with behavioral abnormalities and craniofacial dysmorphism with or without seizures. Identifiers: MedGen C5231476, MONDO:0032883, OMIM 618725.

Submissions (3):

CeGaT Center for Human Genetics Tuebingen
Classification: Likely pathogenic. Last evaluated: 2026-06-01. Review status: criteria provided, single submitter. Criteria: CeGaT Center For Human Genetics Tuebingen Variant Classification Criteria Version 2. Collection method: clinical testing. Allele origin: germline. Affected: yes. Observed: 1 variant allele.
Comment: PHF21A: PM2, PM6, PVS1:Moderate, PS4:Supporting

Institute of Medical Genetics and Applied Genomics, University Hospital Tübingen
Classification: Pathogenic for Intellectual developmental disorder with behavioral abnormalities and craniofacial dysmorphism with or without seizures. Last evaluated: 2025-10-01. Review status: criteria provided, single submitter. Criteria: ACMG Guidelines, 2015. Collection method: clinical testing. Allele origin: germline. Inheritance: Autosomal dominant inheritance. Affected: yes.

Labcorp Genetics (formerly Invitae), Labcorp
Classification: Pathogenic. Last evaluated: 2023-08-23. Review status: criteria provided, single submitter. Criteria: Invitae Variant Classification Sherloc (09022015). Collection method: clinical testing. Allele origin: germline.
Comment: This variant is not present in population databases (gnomAD no frequency). This frameshift has been observed in individual(s) with PHF21A-related conditions (PMID: 31649809). In at least one individual the variant was observed to be de novo. ClinVar contains an entry for this variant (Variation ID: 1917917). For these reasons, this variant has been classified as Pathogenic. This sequence change results in a frameshift in the PHF21A gene (p.Ala653Profs*103). While this is not anticipated to result in nonsense mediated decay, it is expected to disrupt the last 28 amino acid(s) of the PHF21A protein and extend the protein by 74 additional amino acid residues.

Literature cited by the submitters: PubMed 31649809 (cited by Labcorp Genetics (formerly Invitae), Labcorp).

NM_001352027.3(PHF21A):c.1959del (p.Ala654fs)

Genes: LARGE2 (LARGE xylosyl- and glucuronyltransferase 2; plus strand), PHF21A (PHD finger protein 21A; minus strand). Cytogenetic location: 11p11.2.
Variant type: Deletion.
Coding change: c.1959del on transcript NM_001352027.3 (MANE Select); coding-DNA position 1959, one base deleted (T; older notation c.1959delT).
Protein change: p.Ala654fs; shifts the reading frame from alanine 654.
Molecular consequence: frameshift variant. On other transcripts: non-coding transcript variant (2).
Genome position (GRCh38, 1-based): chr11:45,934,055, A deleted on the plus strand (T on the coding strand, the reverse complement: PHF21A is on the minus strand). VCF-style (leftmost placement, unchanged base first): chr11-45934054-CA-C. GRCh37 (hg19) VCF-style: chr11-45955605-CA-C.
Other names: c.1956del, p.Ala653fs (NM_001101802.3); c.1959del, p.Ala654fs (NM_001352025.3, NM_001352026.3); c.1818del, p.Ala607fs (NM_001352028.1, NM_001352029.1, NM_016621.5); c.1815del, p.Ala606fs (NM_001352030.3, NM_001352031.3, NM_001352032.3); short protein forms A607fs, A654fs, A606fs, A653fs.
Identifiers: ClinVar variation 1917917 (VCV001917917.9), dbSNP rs2495447338, ClinGen allele CA2580084112.